The following is an entry in ClinVar:

NM_000051.4(ATM):c.6055T>G (p.Tyr2019Asp)

Genes: ATM (ATM serine/threonine kinase; plus strand), C11orf65 (chromosome 11 open reading frame 65; minus strand). Cytogenetic location: 11q22.3.
Variant type: single nucleotide variant.
Coding change: c.6055T>G on transcript NM_000051.4 (MANE Select); coding-DNA position 6055, T replaced by G.
Protein change: p.Tyr2019Asp; replaces tyrosine 2019 with aspartic acid.
Molecular consequence: missense variant. On other transcripts: intron variant (2).
Genome position (GRCh38, 1-based): chr11:108,315,871, T>G. VCF-style: chr11-108315871-T-G. GRCh37 (hg19) VCF-style: chr11-108186598-T-G.
Other names: c.6055T>G, p.Tyr2019Asp (NM_001351834.2); c.641-6800A>C (NM_001330368.2); c.*39-6800A>C (NM_001351110.2); short protein forms Y2019D.
Identifiers: ClinVar variation 4169347 (VCV004169347.1).
Genomic context (GRCh38, chr11:108,315,871, plus strand): 5'-CCATGTTTTCAGGATCTTCTCTTAGAAATCTACAGAAGTATAGGGGAGCCAGATAGTTTG[T>G]ATGGCTGTGGTGGAGGGAAGATGTTACAACCCATTACTAGGTAAATTGCATTTTTCTAAA-3'
Protein context (NP_000042.3, residues 2009-2029): YRSIGEPDSL[Tyr2019Asp]GCGGGKMLQP

ClinVar aggregate classification (germline): Uncertain significance (1 of 4 stars; one submission).

Conditions:
Hereditary cancer-predisposing syndrome. Also called: Neoplastic Syndromes, Hereditary; Tumor predisposition; Hereditary neoplastic syndrome; Hereditary Cancer Syndrome. Identifiers: Orphanet 140162, MedGen C0027672, MeSH D009386, MONDO:0015356.

Submission:

Ambry Genetics
Classification: Uncertain significance for Hereditary cancer-predisposing syndrome. Last evaluated: 2025-07-29. Review status: criteria provided, single submitter. Criteria: Ambry Variant Classification Scheme 2023. Collection method: clinical testing. Allele origin: germline.
Comment: The p.Y2019D variant (also known as c.6055T>G), located in coding exon 40 of the ATM gene, results from a T to G substitution at nucleotide position 6055. The tyrosine at codon 2019 is replaced by aspartic acid, an amino acid with highly dissimilar properties. This amino acid position is highly conserved in available vertebrate species. In addition, the in silico prediction for this alteration is inconclusive. Based on the available evidence, the clinical significance of this variant remains unclear.